The following is an entry in ClinVar:

NM_001128205.2(SULF1):c.2220C>G (p.Ser740Arg)

Gene: SULF1 (sulfatase 1; plus strand). Cytogenetic location: 8q13.3.
Variant type: single nucleotide variant.
Coding change: c.2220C>G on transcript NM_001128205.2 (MANE Select); coding-DNA position 2220, C replaced by G.
Protein change: p.Ser740Arg; replaces serine 740 with arginine.
Molecular consequence: missense variant. On other transcripts: non-coding transcript variant (3).
Genome position (GRCh38, 1-based): chr8:69,629,615, C>G. VCF-style: chr8-69629615-C-G. GRCh37 (hg19) VCF-style: chr8-70541850-C-G.
Other names: c.2220C>G, p.Ser740Arg (NM_001128204.2, NM_001128206.2, NM_001412828.1 and 10 more transcripts); c.2091C>G, p.Ser697Arg (NM_001412832.1, NM_001412838.1, NM_001412839.1 and 1 more transcripts); c.2163C>G, p.Ser721Arg (NM_001412836.1, NM_001412837.1); c.2034C>G, p.Ser678Arg (NM_001412841.1, NM_001412842.1); c.1620C>G, p.Ser540Arg (NM_001412844.1, NM_001412845.1); c.429C>G, p.Ser143Arg (NM_001412846.1); short protein forms S143R, S678R, S721R, S697R, S740R, S540R.
Identifiers: ClinVar variation 2078502 (VCV002078502.4), dbSNP rs994725434, ClinGen allele CA178308554.
Genomic context (GRCh38, chr8:69,629,615, plus strand): 5'-CCGTAGGAGGAAGAAGGAGAGGAAGGAGAAGAGACGGCAGAGGAAGGGGGAAGAGTGCAG[C>G]CTGCCTGGCCTCACTTGCTTCACGCATGACAACAACCACTGGCAGACAGCCCCGTTCTGG-3'
Protein context (NP_001121677.1, residues 730-750): KRRQRKGEEC[Ser740Arg]LPGLTCFTHD

ClinVar aggregate classification (germline): Uncertain significance (1 of 4 stars; one submission).

Allele frequency attached by ClinVar (database versions not stated): gnomAD exomes below 0.00001; TOPMed 0.00001.
gnomAD v4.1: 5 of 1,613,836 alleles (0.00031%); highest among the groups gnomAD compares: Non-Finnish European, 0.00042%; no homozygotes.

Submission:

Labcorp Genetics (formerly Invitae), Labcorp
Classification: Uncertain significance. Last evaluated: 2025-08-09. Review status: criteria provided, single submitter. Criteria: Invitae Variant Classification Sherloc (09022015). Collection method: clinical testing. Allele origin: germline.
Comment: This sequence change replaces serine, which is neutral and polar, with arginine, which is basic and polar, at codon 740 of the SULF1 protein (p.Ser740Arg). This variant is present in population databases (no rsID available, gnomAD 0.007%). This variant has not been reported in the literature in individuals affected with SULF1-related conditions. ClinVar contains an entry for this variant (Variation ID: 2078502). An algorithm developed to predict the effect of missense changes on protein structure and function (PolyPhen-2) suggests that this variant is likely to be tolerated. In summary, the available evidence is currently insufficient to determine the role of this variant in disease. Therefore, it has been classified as a Variant of Uncertain Significance.